The following is an entry in ClinVar:

ClinVar aggregate classification (germline): Uncertain significance. Review status: criteria provided, multiple submitters, no conflicts (2 of 4 stars). 2 submissions from 2 submitters: Uncertain significance (2). Last evaluated 2025-05-05.

Conditions:
Inborn genetic diseases. Identifiers: MedGen C0950123, MeSH D030342.
Autosomal recessive severe congenital neutropenia due to JAGN1 deficiency. Also called: Severe congenital neutropenia 6, autosomal recessive. Identifiers: Orphanet 423384, MedGen C4014954, MONDO:0014456, OMIM 616022.

Allele frequency attached by ClinVar (database versions not stated): gnomAD exomes 0.00001; 1000 Genomes Project 30x 0.00016; 1000 Genomes Project 0.00020.

Submissions (2):

Ambry Genetics
Classification: Uncertain significance for Inborn genetic diseases. Last evaluated: 2025-05-05. Review status: criteria provided, single submitter. Criteria: Ambry Variant Classification Scheme 2023. Collection method: clinical testing. Allele origin: germline.

Labcorp Genetics (formerly Invitae), Labcorp
Classification: Uncertain significance for Autosomal recessive severe congenital neutropenia due to JAGN1 deficiency. Last evaluated: 2023-07-07. Review status: criteria provided, single submitter. Criteria: Invitae Variant Classification Sherloc (09022015). Collection method: clinical testing. Allele origin: germline.
Comment: This sequence change replaces serine, which is neutral and polar, with cysteine, which is neutral and slightly polar, at codon 166 of the JAGN1 protein (p.Ser166Cys). This variant is present in population databases (rs372426169, gnomAD 0.02%). This variant has not been reported in the literature in individuals affected with JAGN1-related conditions. ClinVar contains an entry for this variant (Variation ID: 1403166). An algorithm developed to predict the effect of missense changes on protein structure and function (PolyPhen-2) suggests that this variant is likely to be tolerated. In summary, the available evidence is currently insufficient to determine the role of this variant in disease. Therefore, it has been classified as a Variant of Uncertain Significance.

NM_032492.4(JAGN1):c.496A>T (p.Ser166Cys)

Gene: JAGN1 (jagunal vesicle mediated transporter 1; plus strand). Cytogenetic location: 3p25.3.
Variant type: single nucleotide variant.
Coding change: c.496A>T on transcript NM_032492.4 (MANE Select); coding-DNA position 496, A replaced by T.
Protein change: p.Ser166Cys; replaces serine 166 with cysteine.
Molecular consequence: missense variant.
Genome position (GRCh38, 1-based): chr3:9,893,321, A>T. VCF-style: chr3-9893321-A-T. GRCh37 (hg19) VCF-style: chr3-9935005-A-T.
Other names: c.334A>T, p.Ser112Cys (NM_001363890.1); c.496A>T (NM_032492.3); short protein forms S166C, S112C.
Identifiers: ClinVar variation 1403166 (VCV001403166.7), dbSNP rs372426169, ClinGen allele CA2245903.